The following is an entry in ClinVar:

NM_172107.4(KCNQ2):c.1827C>T (p.Ala609=)

Gene: KCNQ2 (potassium voltage-gated channel subfamily Q member 2; minus strand). Cytogenetic location: 20q13.33.
Variant type: single nucleotide variant.
Coding change: c.1827C>T on transcript NM_172107.4 (MANE Select); coding-DNA position 1827, C replaced by T.
Protein change: p.Ala609=; no amino-acid change (alanine 609 retained).
Molecular consequence: synonymous variant.
Genome position (GRCh38, 1-based): chr20:63,408,473, G>A on the plus strand (C>T on the coding strand, the complement: KCNQ2 is on the minus strand). VCF-style: chr20-63408473-G-A. GRCh37 (hg19) VCF-style: chr20-62039826-G-A.
Other names: p.A609A:GCC>GCT; c.1881C>T, p.Ala627= (NM_001382235.1); c.1770C>T, p.Ala590= (NM_001439003.1); c.1740C>T, p.Ala580= (NM_001439004.1); c.1743C>T, p.Ala581= (NM_004518.6); c.1773C>T, p.Ala591= (NM_172106.3); c.1734C>T, p.Ala578= (NM_172108.5).
Identifiers: ClinVar variation 138028 (VCV000138028.58), dbSNP rs369438374, ClinGen allele CA291806.

ClinVar aggregate classification (germline): Conflicting classifications of pathogenicity. Review status: criteria provided, conflicting classifications (1 of 4 stars). 6 submissions from 6 submitters: Uncertain significance (1); Benign (1); Likely benign (4). Last evaluated 2026-01-28.

Conditions:
Inborn genetic diseases. Identifiers: MedGen C0950123, MeSH D030342.
Early-infantile DEE. Also called: Early infantile epileptic encephalopathy; Early infantile epileptic encephalopathy with suppression bursts; Ohtahara syndrome. Identifiers: Orphanet 1934, MedGen C0393706, MONDO:0800491.

Allele frequency attached by ClinVar (database versions not stated): ESP Exome Variant Server 0.00046; 1000 Genomes Project 30x 0.00031; gnomAD 0.00048 and 0.00046; gnomAD exomes 0.00050; TOPMed 0.00037; ExAC 0.00067.
gnomAD v4.1: 1,220 of 1,607,862 alleles (0.076%); highest among the groups gnomAD compares: Non-Finnish European, 0.093%; no homozygotes.

Submissions (6):

Labcorp Genetics (formerly Invitae), Labcorp
Classification: Likely benign for Early-infantile DEE. Last evaluated: 2026-01-28. Review status: criteria provided, single submitter. Criteria: Invitae Variant Classification Sherloc (09022015). Collection method: clinical testing. Allele origin: germline.

Blueprint Genetics
Classification: Likely benign. Last evaluated: 2024-11-04. Review status: criteria provided, single submitter. Criteria: ACMG Guidelines, 2015. Collection method: clinical testing. Allele origin: germline.

CeGaT Center for Human Genetics Tuebingen
Classification: Likely benign. Last evaluated: 2024-08-01. Review status: criteria provided, single submitter. Criteria: CeGaT Center For Human Genetics Tuebingen Variant Classification Criteria Version 2. Collection method: clinical testing. Allele origin: germline. Affected: yes. Observed: 6 variant alleles.
Comment: KCNQ2: BP4, BP7

Ambry Genetics
Classification: Likely benign for Inborn genetic diseases. Last evaluated: 2018-01-22. Review status: criteria provided, single submitter. Criteria: Ambry Variant Classification Scheme 2023. Collection method: clinical testing. Allele origin: germline.

Eurofins Ntd Llc (ga)
Classification: Uncertain significance. Last evaluated: 2015-11-12. Review status: criteria provided, single submitter. Criteria: EGL Classification Definitions 2015. Collection method: clinical testing. Allele origin: germline. Observed: 1 variant allele.

GeneDx
Classification: Benign. Last evaluated: 2013-01-31. Review status: criteria provided, single submitter. Criteria: GeneDx Variant Classification (06012015). Collection method: clinical testing. Allele origin: germline. Affected: yes.
Comment: This variant is considered likely benign or benign based on one or more of the following criteria: it is a conservative change, it occurs at a poorly conserved position in the protein, it is predicted to be benign by multiple in silico algorithms, and/or has population frequency not consistent with disease.